The following is an entry in ClinVar:

ClinVar aggregate classification (germline): Pathogenic/Likely pathogenic. Review status: criteria provided, multiple submitters, no conflicts (2 of 4 stars). 4 submissions from 4 submitters: Pathogenic (2); Likely pathogenic (2). Last evaluated 2026-06-04.

Conditions:
COL7A1-related disorder. Also called: COL7A1- related disorders; COL7A1-related condition.
Epidermolysis bullosa dystrophica. Also called: Dystrophic epidermolysis bullosa, Hallopeau-Siemens type (formerly); Dystrophic epidermolysis bullosa. Identifiers: Orphanet 303, MedGen C0079294, MONDO:0006543.

Submissions (4):

PreventionGenetics, part of Exact Sciences
Classification: Pathogenic for COL7A1-related condition. Last evaluated: 2026-06-04. Review status: criteria provided, single submitter. Criteria: ACMG Guidelines, 2015. Collection method: clinical testing. Allele origin: germline.
Comment: The COL7A1 c.6101G>C variant is predicted to result in the amino acid substitution p.Gly2034Ala. This variant has been reported in an individual with autosomal recessive dystrophic epidermolysis bullosa (DEB) (Saeidian et al. 2018. PubMed ID: 29473190). The amino acid p.Gly2034 resides within the triple helical domain of the COL7A1 protein (amino acids 1254-2784; Christiano et al. 1996. PubMed ID: 8644729). Glycine substitutions within this domain affect the folding and secretion of type VII collagen, and pathogenic variants altering glycine residues have been reported in individuals with COL7A1-related disorders (Dang and Murrell. 2008. PubMed ID: 18558993; Almaani et al. 2011. PubMed ID: 21448560; Vahidnezhad et al. 2017. PubMed ID: 27899325). Alternate glycine substitutions at the same amino acid position (p.Gly2034Arg, p.Gly2034Trp, p.Gly2034Val and p.Gly2034Glu) have also been reported in individuals with DEB (Kon et al. 1997. PubMed ID: 9347800; Rouan et al. 1998. PubMed ID: 9856843; Liu et al. 2013. PubMed ID: 23624125; Kern et al. 2006. PubMed ID: 16484981). The c.6101G>C (p.Gly2034Ala) variant has not been reported in a large population database (gnomAD), indicating this variant is rare. This variant is interpreted as pathogenic.

Natera, Inc.
Classification: Likely pathogenic for Dystrophic epidermolysis bullosa. Last evaluated: 2024-12-16. Review status: criteria provided, single submitter. Criteria: Natera Variant Classification Schema (03/2026). Collection method: clinical testing. Allele origin: germline.
Comment: The c.6101G>C variant in COL7A1 is a missense variant predicted to cause substitution of glycine to alanine at amino acid 2034. This variant is rare in the general population with a frequency below the threshold expected for the associated phenotype(s). This variant has been observed in one or more individuals affected with the associated recessive disease, as either homozygous or compound heterozygous with a second variant (PMID: 29473190). A different variant at the same position has been determined to be Pathogenic or Likely Pathogenic. Computational prediction algorithms indicate this variant is likely to affect gene or protein function. Given the available evidence, this variant is classified as Likely Pathogenic.

Labcorp Genetics (formerly Invitae), Labcorp
Classification: Likely pathogenic. Last evaluated: 2024-02-23. Review status: criteria provided, single submitter. Criteria: Invitae Variant Classification Sherloc (09022015). Collection method: clinical testing. Allele origin: germline.
Comment: This sequence change replaces glycine, which is neutral and non-polar, with alanine, which is neutral and non-polar, at codon 2034 of the COL7A1 protein (p.Gly2034Ala). This variant is not present in population databases (gnomAD no frequency). This missense change has been observed in individual(s) with autosomal recessive dystrophic epidermolysis bullosa (PMID: 29473190). ClinVar contains an entry for this variant (Variation ID: 379224). Advanced modeling of protein sequence and biophysical properties (such as structural, functional, and spatial information, amino acid conservation, physicochemical variation, residue mobility, and thermodynamic stability) performed at Invitae indicates that this missense variant is expected to disrupt COL7A1 protein function with a positive predictive value of 95%. This variant disrupts the triple helix domain of COL7A1. Glycine residues within the Gly-Xaa-Yaa repeats of the triple helix domain are required for the structure and stability of fibrillar collagens (PMID: 7695699, 8218237, 19344236), and variants at these glycine residues in COL7A1 are more frequently observed in individuals with disease than in the general population (PMID: 22058051). However, the clinical significance of this observation remains uncertain since only a limited number of affected individuals have been described to date. In summary, the currently available evidence indicates that the variant is pathogenic, but additional data are needed to prove that conclusively. Therefore, this variant has been classified as Likely Pathogenic.

GeneDx
Classification: Pathogenic. Last evaluated: 2015-03-30. Review status: criteria provided, single submitter. Criteria: GeneDx Variant Classification (06012015). Collection method: clinical testing. Allele origin: germline. Affected: yes.
Comment: The G2034A variant in the COL7A1 gene has not been reported previously as a pathogenic variant nor as a benign polymorphism, to our knowledge. The G2034A substitution was not observed in approximately 6400 individuals of European and African American ancestry in the NHLBI Exome Sequencing Project, indicating it is not a common benign variant in these populations. The G2034Avariant is a conservative amino acid substitution, however it is found in the triple helical domain of thecollagen molecule where the canonical Gly-X-Y motif is highly conserved and necessary for the properwinding of the collagen triple helix. Although in silico analysis is inconsistent in its predictions as to whetheror not the variant is damaging to the protein structure/function, Glycine substitutions in thisregion of the protein are known to be pathogenic. Numerous missense variants at the same residue or innearby residues (G2034R, W, V, E and G2028R, G2031S, G2037R) have been reported in the HumanGene Mutation Database in association with dystrophic epidermolysis bullosa (Stenson et al., 2014),supporting the functional importance of this region of the protein. Additionally, G2034A is found in exon 73of the COL7A1 gene where Glycine substitution variants cluster. We interpret G2034A as a pathogenic variant.

Literature cited by the submitters: PubMed 29473190 (cited by Natera, Inc. and Labcorp Genetics (formerly Invitae), Labcorp); PubMed 7695699 (cited by Labcorp Genetics (formerly Invitae), Labcorp); PubMed 8218237 (cited by Labcorp Genetics (formerly Invitae), Labcorp); PubMed 19344236 (cited by Labcorp Genetics (formerly Invitae), Labcorp); PubMed 22058051 (cited by Labcorp Genetics (formerly Invitae), Labcorp).

NM_000094.4(COL7A1):c.6101G>C (p.Gly2034Ala)

Gene: COL7A1 (collagen type VII alpha 1 chain; minus strand). Cytogenetic location: 3p21.31.
Variant type: single nucleotide variant.
Coding change: c.6101G>C on transcript NM_000094.4 (MANE Select); coding-DNA position 6101, G replaced by C.
Protein change: p.Gly2034Ala; replaces glycine 2034 with alanine.
Molecular consequence: missense variant.
Genome position (GRCh38, 1-based): chr3:48,575,418, C>G on the plus strand (G>C on the coding strand, the complement: COL7A1 is on the minus strand). VCF-style: chr3-48575418-C-G. GRCh37 (hg19) VCF-style: chr3-48612851-C-G.
Other names: short protein forms G2034A.
Identifiers: ClinVar variation 379224 (VCV000379224.9), dbSNP rs1057520530, ClinGen allele CA16604944.